The following is an entry in ClinVar:

NM_000179.3(MSH6):c.3560A>C (p.Glu1187Ala)

Gene: MSH6 (mutS homolog 6; plus strand). Cytogenetic location: 2p16.3.
Variant type: single nucleotide variant.
Coding change: c.3560A>C on transcript NM_000179.3 (MANE Select); coding-DNA position 3560, A replaced by C.
Protein change: p.Glu1187Ala; replaces glutamic acid 1187 with alanine.
Molecular consequence: missense variant. On other transcripts: non-coding transcript variant (5).
Genome position (GRCh38, 1-based): chr2:47,805,621, A>C. VCF-style: chr2-47805621-A-C. GRCh37 (hg19) VCF-style: chr2-48032760-A-C.
Other names: c.3170A>C, p.Glu1057Ala (NM_001281492.2); c.2654A>C, p.Glu885Ala (NM_001281493.2, NM_001281494.2, NM_001406811.1 and 6 more transcripts); c.3656A>C, p.Glu1219Ala (NM_001406795.1, NM_001406802.1); c.3560A>C, p.Glu1187Ala (NM_001406796.1, NM_001406800.1, NM_001406808.1 and 1 more transcripts); c.3263A>C, p.Glu1088Ala (NM_001406797.1, NM_001406801.1, NM_001406805.1 and 10 more transcripts); c.3386A>C, p.Glu1129Ala (NM_001406798.1); c.3035A>C, p.Glu1012Ala (NM_001406799.1, NM_001406806.1, NM_001406807.1); c.2696A>C, p.Glu899Ala (NM_001406803.1); and 7 more; short protein forms E1012A, E1057A, E1088A, E1129A, E1131A, E114A, E1161A, E1187A.
Identifiers: ClinVar variation 4532889 (VCV004532889.1).

ClinVar aggregate classification (germline): Uncertain significance (1 of 4 stars; one submission).

gnomAD v4.1: 1 of 1,606,526 alleles (0.000062%); highest among the groups gnomAD compares: South Asian, 0.0011%; no homozygotes.

Submission:

Quest Diagnostics Nichols Institute San Juan Capistrano
Classification: Uncertain significance. Last evaluated: 2025-08-14. Review status: criteria provided, single submitter. Criteria: Quest Diagnostics criteria. Collection method: clinical testing. Allele origin: unknown.
Comment: The MSH6 c.3560A>C (p.Glu1187Ala) variant has not been reported in individuals with MSH6-related conditions in the published literature. This variant also has not been reported in large, multi-ethnic general populations (Genome Aggregation Database). Analysis of this variant using bioinformatics tools for the prediction of the effect of amino acid changes on protein structure and function yielded conflicting predictions that this variant is benign or damaging. Based on the available information, we are unable to determine the clinical significance of this variant.